The following is an entry in ClinVar:

NM_000016.6(ACADM):c.1213C>T (p.Gln405Ter)

Gene: ACADM (acyl-CoA dehydrogenase medium chain; plus strand). Cytogenetic location: 1p31.1.
Variant type: single nucleotide variant.
Coding change: c.1213C>T on transcript NM_000016.6 (MANE Select); coding-DNA position 1213, C replaced by T.
Protein change: p.Gln405Ter; replaces glutamine 405 with a stop codon.
Molecular consequence: nonsense.
Genome position (GRCh38, 1-based): chr1:75,762,710, C>T. VCF-style: chr1-75762710-C-T. GRCh37 (hg19) VCF-style: chr1-76228395-C-T.
Other names: c.1225C>T, p.Gln409Ter (NM_001127328.3); c.1105C>T, p.Gln369Ter (NM_001286042.2); c.1312C>T, p.Gln438Ter (NM_001286043.2); c.646C>T, p.Gln216Ter (NM_001286044.2); short protein forms Q216*, Q369*, Q405*, Q409*, Q438*.
Identifiers: ClinVar variation 4817485 (VCV004817485.1).
Genomic context (GRCh38, chr1:75,762,710, plus strand): 5'-TGTACTAAAGATATTTAACCTACACTTATATTTTTCTTGCAGATTTATGAAGGTACTTCA[C>T]AAATTCAAAGACTTATTGTAGCCCGTGAACACATTGACAAGTACAAAAATTAAAAAAATT-3'

ClinVar aggregate classification (germline): Likely pathogenic (1 of 4 stars; one submission).

Conditions:
Medium-chain acyl-coenzyme A dehydrogenase deficiency (ACADMD). Also called: ACADM DEFICIENCY; CARNITINE DEFICIENCY SECONDARY TO MEDIUM-CHAIN ACYL-CoA DEHYDROGENASE DEFICIENCY; Medium chain acyl-CoA dehydrogenase deficiency; MCADH DEFICIENCY; MCADD; MCAD Deficiency. Identifiers: Orphanet 42, MedGen C0220710, MONDO:0008721, OMIM 201450.

Submission:

Natera, Inc.
Classification: Likely pathogenic for Medium Chain Acyl-CoA Dehydrogenase Deficiency. Last evaluated: 2025-12-03. Review status: criteria provided, single submitter. Criteria: Natera Variant Classification Schema (03/2026). Collection method: clinical testing. Allele origin: germline.
Comment: The c.1213C>T variant in ACADM is a nonsense variant predicted to introduce a stop codon at amino acid 405. This variant is expected to result in nonsense mediated decay, truncation, or a dysfunctional protein product. This variant is rare in the general population with a frequency below the threshold expected for the associated phenotype(s). Given the available evidence, this variant is classified as Likely Pathogenic.